The following is an entry in ClinVar:

NM_000395.3(CSF2RB):c.2232A>C (p.Leu744Phe)

Gene: CSF2RB (colony stimulating factor 2 receptor subunit beta; plus strand). Cytogenetic location: 22q12.3.
Variant type: single nucleotide variant.
Coding change: c.2232A>C on transcript NM_000395.3 (MANE Select); coding-DNA position 2232, A replaced by C.
Protein change: p.Leu744Phe; replaces leucine 744 with phenylalanine.
Molecular consequence: missense variant.
Genome position (GRCh38, 1-based): chr22:36,938,040, A>C. VCF-style: chr22-36938040-A-C. GRCh37 (hg19) VCF-style: chr22-37334082-A-C.
Other names: c.2232A>C (NM_000395.2); short protein forms L744F.
Identifiers: ClinVar variation 1470617 (VCV001470617.9), dbSNP rs1417410121, ClinGen allele CA411411088.

ClinVar aggregate classification (germline): Conflicting classifications of pathogenicity. Review status: criteria provided, conflicting classifications (1 of 4 stars). 2 submissions from 2 submitters: Uncertain significance (1); Likely benign (1). Last evaluated 2025-09-15.

Conditions:
Inborn genetic diseases. Identifiers: MedGen C0950123, MeSH D030342.

Allele frequency attached by ClinVar (database versions not stated): gnomAD 0.00001; TOPMed 0.00001.
gnomAD v4.1: 18 of 1,613,822 alleles (0.0011%); highest among the groups gnomAD compares: Middle Eastern, 0.016%; no homozygotes.

Submissions (2):

Labcorp Genetics (formerly Invitae), Labcorp
Classification: Uncertain significance. Last evaluated: 2025-09-15. Review status: criteria provided, single submitter. Criteria: Invitae Variant Classification Sherloc (09022015). Collection method: clinical testing. Allele origin: germline.
Comment: This sequence change replaces leucine, which is neutral and non-polar, with phenylalanine, which is neutral and non-polar, at codon 744 of the CSF2RB protein (p.Leu744Phe). This variant is present in population databases (no rsID available, gnomAD 0.0009%). This variant has not been reported in the literature in individuals affected with CSF2RB-related conditions. ClinVar contains an entry for this variant (Variation ID: 1470617). Invitae Evidence Modeling of protein sequence and biophysical properties (such as structural, functional, and spatial information, amino acid conservation, physicochemical variation, residue mobility, and thermodynamic stability) indicates that this missense variant is not expected to disrupt CSF2RB protein function with a negative predictive value of 80%. In summary, the available evidence is currently insufficient to determine the role of this variant in disease. Therefore, it has been classified as a Variant of Uncertain Significance.

Ambry Genetics
Classification: Likely benign for Inborn genetic diseases. Last evaluated: 2025-08-14. Review status: criteria provided, single submitter. Criteria: Ambry Variant Classification Scheme 2023. Collection method: clinical testing. Allele origin: germline.